The following is an entry in ClinVar:

NM_005431.2(XRCC2):c.753C>G (p.Asn251Lys)

Gene: XRCC2 (X-ray repair cross complementing 2; minus strand). Cytogenetic location: 7q36.1.
Variant type: single nucleotide variant.
Coding change: c.753C>G on transcript NM_005431.2 (MANE Select); coding-DNA position 753, C replaced by G.
Protein change: p.Asn251Lys; replaces asparagine 251 with lysine.
Molecular consequence: missense variant.
Genome position (GRCh38, 1-based): chr7:152,648,732, G>C on the plus strand (C>G on the coding strand, the complement: XRCC2 is on the minus strand). VCF-style: chr7-152648732-G-C. GRCh37 (hg19) VCF-style: chr7-152345817-G-C.
Other names: short protein forms N251K.
Identifiers: ClinVar variation 655559 (VCV000655559.13), dbSNP rs752503425, ClinGen allele CA4582299.
Genomic context (GRCh38, chr7:152,648,732, plus strand): 5'-AATAAAAAAATGTTTTTTTAAACTGTTACTTTTTAAACAACGTGAAACTAATGAAAATTG[G>C]TTGCTGCTTTGAGAATCATCTTGTTTGGAGAAAAACATCCTGTGCTTCACCAGTTGCTGC-3'
Protein context (NP_005422.1, residues 241-261): FSKQDDSQSS[Asn251Lys]QFSLVSRCLK

ClinVar aggregate classification (germline): Conflicting classifications of pathogenicity. Review status: criteria provided, conflicting classifications (1 of 4 stars). 2 submissions from 2 submitters: Uncertain significance (1); Likely benign (1). Last evaluated 2024-04-02.

Conditions:
Hereditary cancer-predisposing syndrome. Also called: Hereditary neoplastic syndrome; Tumor predisposition; Neoplastic Syndromes, Hereditary; Hereditary Cancer Syndrome. Identifiers: Orphanet 140162, MedGen C0027672, MeSH D009386, MONDO:0015356.

Allele frequency attached by ClinVar (database versions not stated): gnomAD exomes below 0.00001 and 0.00001; gnomAD 0.00001; ExAC 0.00001; TOPMed 0.00002.
gnomAD v4.1: 6 of 1,613,746 alleles (0.00037%); highest among the groups gnomAD compares: Admixed American, 0.0033%; no homozygotes.

Submissions (2):

Ambry Genetics
Classification: Likely benign for Hereditary cancer-predisposing syndrome. Last evaluated: 2024-04-02. Review status: criteria provided, single submitter. Criteria: Ambry Variant Classification Scheme 2023. Collection method: clinical testing. Allele origin: germline.

Labcorp Genetics (formerly Invitae), Labcorp
Classification: Uncertain significance. Last evaluated: 2023-08-06. Review status: criteria provided, single submitter. Criteria: Invitae Variant Classification Sherloc (09022015). Collection method: clinical testing. Allele origin: germline.
Comment: This sequence change replaces asparagine, which is neutral and polar, with lysine, which is basic and polar, at codon 251 of the XRCC2 protein (p.Asn251Lys). This variant is present in population databases (rs752503425, gnomAD 0.003%). This variant has not been reported in the literature in individuals affected with XRCC2-related conditions. ClinVar contains an entry for this variant (Variation ID: 655559). Algorithms developed to predict the effect of missense changes on protein structure and function output the following: SIFT: "Not Available"; PolyPhen-2: "Benign"; Align-GVGD: "Not Available". The lysine amino acid residue is found in multiple mammalian species, which suggests that this missense change does not adversely affect protein function. In summary, the available evidence is currently insufficient to determine the role of this variant in disease. Therefore, it has been classified as a Variant of Uncertain Significance.